The following is an entry in ClinVar:

ClinVar aggregate classification (germline): Likely benign (1 of 4 stars; one submission).

Submission:

CeGaT Center for Human Genetics Tuebingen
Classification: Likely benign. Last evaluated: 2023-05-01. Review status: criteria provided, single submitter. Criteria: CeGaT Center For Human Genetics Tuebingen Variant Classification Criteria Version 2. Collection method: clinical testing. Allele origin: germline. Affected: yes. Observed: 1 variant allele.
Comment: NPIPB7: BP4, BS2

NM_001396030.1(NPIPB7):c.764C>G (p.Ser255Cys)

Gene: NPIPB7 (nuclear pore complex interacting protein family member B7; minus strand). Cytogenetic location: 16p12.1.
Variant type: single nucleotide variant.
Coding change: c.764C>G on transcript NM_001396030.1 (MANE Select); coding-DNA position 764, C replaced by G.
Protein change: p.Ser255Cys; replaces serine 255 with cysteine.
Molecular consequence: missense variant.
Genome position (GRCh38, 1-based): chr16:28,456,905, G>C on the plus strand (C>G on the coding strand, the complement: NPIPB7 is on the minus strand). VCF-style: chr16-28456905-G-C. GRCh37 (hg19) VCF-style: chr16-28468226-G-C.
Other names: short protein forms S255C.
Identifiers: ClinVar variation 2646346 (VCV002646346.24), dbSNP rs202090112, ClinGen allele CA279775624.